The following is an entry in ClinVar:

ClinVar aggregate classification (germline): Uncertain significance. Review status: criteria provided, multiple submitters, no conflicts (2 of 4 stars). 2 submissions from 2 submitters: Uncertain significance (2). Last evaluated 2025-12-01.

Conditions:
MESD-related disorder. Also called: MESD-related condition.

Submissions (2):

CeGaT Center for Human Genetics Tuebingen
Classification: Uncertain significance. Last evaluated: 2025-12-01. Review status: criteria provided, single submitter. Criteria: CeGaT Center For Human Genetics Tuebingen Variant Classification Criteria Version 2. Collection method: clinical testing. Allele origin: germline. Affected: yes. Observed: 1 variant allele.
Comment: MESD: PM3, PM2:Supporting

PreventionGenetics, part of Exact Sciences
Classification: Uncertain significance for MESD-related condition. Last evaluated: 2023-08-30. Review status: criteria provided, single submitter. Criteria: ACMG Guidelines, 2015. Collection method: clinical testing. Allele origin: germline.
Comment: The MESD c.69_71dupGCT variant is predicted to result in an in-frame duplication (p.Leu26dup). To our knowledge, this variant has not been reported in the literature. This variant is reported in 0.079% of alleles in individuals of South Asian descent in gnomAD. Although we suspect that this variant may be benign, at this time, the clinical significance of this variant is uncertain due to the absence of conclusive functional and genetic evidence.

NM_015154.3(MESD):c.57GCT[6] (p.Leu26_Pro27insLeu)

Genes: MESD (mesoderm development LRP chaperone; minus strand), LOC121530597 (Sharpr-MPRA regulatory region 7880; plus strand). Cytogenetic location: 15q25.1.
Variant type: Microsatellite.
Coding change: c.57GCT[6] on transcript NM_015154.3 (MANE Select); six copies in a row of the 3-base unit GCT starting at c.57; the reference has five copies in a row; one copy, 3 bases duplicated.
Protein change: p.Leu26_Pro27insLeu.
Molecular consequence: inframe insertion. On other transcripts: non-coding transcript variant (2).
Genome position (GRCh38, 1-based): chr15:80,989,721-80,989,723, AGC duplicated on the plus strand (GCT on the coding strand, the reverse complement: MESD is on the minus strand); duplicating any 3 consecutive bases within chr15:80,989,721-80,989,737 gives the same sequence; the position shown is the placement nearest the transcript's 3' end. VCF-style (leftmost placement, unchanged base first): chr15-80989720-T-TAGC. GRCh37 (hg19) VCF-style: chr15-81282061-T-TAGC.
Identifiers: ClinVar variation 2631909 (VCV002631909.24), dbSNP rs376961994, ClinGen allele CA7694031.
Genomic context (GRCh38, chr15:80,989,720, plus strand): 5'-AGACTCGTCGGGCGTCCCGGGCGAGCCTTCGGCCGCGCAGGACCCAGGCGGTGGTAGCAG[T>TAGC]AGCAGCAGCAGCAGCAGGTCAGAGGCACAAAGCAGGACCACGGCCTTGCGCGCCCACCTG-3'